The following is an entry in ClinVar:

NM_014797.3(ZBTB24):c.1465C>G (p.Pro489Ala)

Gene: ZBTB24 (zinc finger and BTB domain containing 24; minus strand). Cytogenetic location: 6q21.
Variant type: single nucleotide variant.
Coding change: c.1465C>G on transcript NM_014797.3 (MANE Select); coding-DNA position 1465, C replaced by G.
Protein change: p.Pro489Ala; replaces proline 489 with alanine.
Molecular consequence: missense variant.
Genome position (GRCh38, 1-based): chr6:109,466,480, G>C on the plus strand (C>G on the coding strand, the complement: ZBTB24 is on the minus strand). VCF-style: chr6-109466480-G-C. GRCh37 (hg19) VCF-style: chr6-109787683-G-C.
Other names: short protein forms P489A.
Identifiers: ClinVar variation 1947705 (VCV001947705.2), dbSNP rs749912858, ClinGen allele CA3954065.

ClinVar aggregate classification (germline): Uncertain significance (1 of 4 stars; one submission).

Conditions:
Immunodeficiency-centromeric instability-facial anomalies syndrome 2 (ICF2). Identifiers: Orphanet 2268, MedGen C3279748, MONDO:0013553, OMIM 614069.

Allele frequency attached by ClinVar (database versions not stated): ExAC 0.00001.

Submission:

Labcorp Genetics (formerly Invitae), Labcorp
Classification: Uncertain significance for Immunodeficiency-centromeric instability-facial anomalies syndrome 2. Last evaluated: 2022-06-12. Review status: criteria provided, single submitter. Criteria: Invitae Variant Classification Sherloc (09022015). Collection method: clinical testing. Allele origin: germline.
Comment: This sequence change replaces proline, which is neutral and non-polar, with alanine, which is neutral and non-polar, at codon 489 of the ZBTB24 protein (p.Pro489Ala). This variant is present in population databases (rs749912858, gnomAD 0.002%). This variant has not been reported in the literature in individuals affected with ZBTB24-related conditions. Algorithms developed to predict the effect of missense changes on protein structure and function are either unavailable or do not agree on the potential impact of this missense change (SIFT: "Not Available"; PolyPhen-2: "Probably Damaging"; Align-GVGD: "Not Available"). In summary, the available evidence is currently insufficient to determine the role of this variant in disease. Therefore, it has been classified as a Variant of Uncertain Significance.